The following is an entry in ClinVar:

NC_000015.9:g.(?_89379429)_(89402668_?)del

Gene: ACAN (aggrecan; plus strand). Cytogenetic location: 15q26.1.
Variant type: Deletion.
Identifiers: ClinVar variation 2425829 (VCV002425829.4).

ClinVar aggregate classification (germline): Pathogenic (1 of 4 stars; one submission).

Submission:

Labcorp Genetics (formerly Invitae), Labcorp
Classification: Pathogenic. Last evaluated: 2022-03-16. Review status: criteria provided, single submitter. Criteria: Invitae Variant Classification Sherloc (09022015). Collection method: clinical testing. Allele origin: germline.
Comment: For these reasons, this variant has been classified as Pathogenic. This variant has not been reported in the literature in individuals affected with ACAN-related conditions. This variant is a gross deletion of the genomic region encompassing exon(s) 2-12 of the ACAN gene, which includes the initiator codon. This deletion extends beyond the assayed region for this gene and therefore may encompass additional genes. It is expected to result in an absent or disrupted protein product. Loss-of-function variants in ACAN are known to be pathogenic (PMID: 16080123, 24762113).

Literature cited by the submitters: PubMed 16080123; PubMed 24762113.